The following is an entry in ClinVar:

ClinVar aggregate classification (germline): Pathogenic (1 of 4 stars; one submission).

Conditions:
Peroxisome biogenesis disorder 9B. Also called: PEX7-Related Refsum Disease; Refsum disease, adult, 2; PEROXISOME BIOGENESIS DISORDER, PEX7-RELATED, ATYPICAL. Identifiers: Orphanet 773, MedGen C2749346, MONDO:0013945, OMIM 614879.

Submission:

Labcorp Genetics (formerly Invitae), Labcorp
Classification: Pathogenic for Peroxisome biogenesis disorder 9B. Last evaluated: 2023-03-12. Review status: criteria provided, single submitter. Criteria: Invitae Variant Classification Sherloc (09022015). Collection method: clinical testing. Allele origin: germline.
Comment: For these reasons, this variant has been classified as Pathogenic. ClinVar contains an entry for this variant (Variation ID: 1384934). This variant has not been reported in the literature in individuals affected with PEX7-related conditions. This variant is not present in population databases (gnomAD no frequency). This sequence change creates a premature translational stop signal (p.Glu23Alafs*31) in the PEX7 gene. It is expected to result in an absent or disrupted protein product. Loss-of-function variants in PEX7 are known to be pathogenic (PMID: 12325024, 12522768, 20301447).

Literature cited by the submitters: PubMed 12325024; PubMed 12522768; PubMed 20301447.

NM_000288.4(PEX7):c.57_67dup (p.Glu23fs)

Gene: PEX7 (peroxisomal biogenesis factor 7; plus strand). Cytogenetic location: 6q23.3.
Variant type: Duplication.
Coding change: c.57_67dup on transcript NM_000288.4 (MANE Select); coding-DNA positions 57 to 67, 11 bases duplicated (CTACGCCGCCG).
Protein change: p.Glu23fs; shifts the reading frame from glutamic acid 23.
Molecular consequence: frameshift variant.
Genome position (GRCh38, 1-based): chr6:136,822,722-136,822,732, CTACGCCGCCG duplicated; duplicating any 11 consecutive bases within chr6:136,822,721-136,822,732 gives the same sequence; the c. name uses the placement nearest the transcript's 3' end. VCF-style (leftmost placement, unchanged base first): chr6-136822720-G-GGCTACGCCGCC. GRCh37 (hg19) VCF-style: chr6-137143858-G-GGCTACGCCGCC.
Other names: short protein forms E23fs.
Identifiers: ClinVar variation 1384934 (VCV001384934.6), dbSNP rs2115122515, ClinGen allele CA452374690.